The following is an entry in ClinVar:

NM_001084.5(PLOD3):c.58C>G (p.Pro20Ala)

Gene: PLOD3 (procollagen-lysine,2-oxoglutarate 5-dioxygenase 3; minus strand). Cytogenetic location: 7q22.1.
Variant type: single nucleotide variant.
Coding change: c.58C>G on transcript NM_001084.5 (MANE Select); coding-DNA position 58, C replaced by G.
Protein change: p.Pro20Ala; replaces proline 20 with alanine.
Molecular consequence: missense variant.
Genome position (GRCh38, 1-based): chr7:101,217,217, G>C on the plus strand (C>G on the coding strand, the complement: PLOD3 is on the minus strand). VCF-style: chr7-101217217-G-C. GRCh37 (hg19) VCF-style: chr7-100860498-G-C.
Other names: short protein forms P20A.
Identifiers: ClinVar variation 2785017 (VCV002785017.3), dbSNP rs1798292961, ClinGen allele CA368628104.

ClinVar aggregate classification (germline): Uncertain significance (1 of 4 stars; one submission).

Allele frequency attached by ClinVar (database versions not stated): TOPMed below 0.00001; gnomAD 0.00001.
gnomAD v4.1: 9 of 1,501,144 alleles (0.0006%); highest among the groups gnomAD compares: South Asian, 0.01%; no homozygotes.

Submission:

Labcorp Genetics (formerly Invitae), Labcorp
Classification: Uncertain significance. Last evaluated: 2023-10-16. Review status: criteria provided, single submitter. Criteria: Invitae Variant Classification Sherloc (09022015). Collection method: clinical testing. Allele origin: germline.
Comment: This sequence change replaces proline, which is neutral and non-polar, with alanine, which is neutral and non-polar, at codon 20 of the PLOD3 protein (p.Pro20Ala). This variant is not present in population databases (gnomAD no frequency). This variant has not been reported in the literature in individuals affected with PLOD3-related conditions. Algorithms developed to predict the effect of missense changes on protein structure and function output the following: SIFT: "Not Available"; PolyPhen-2: "Not Available"; Align-GVGD: "Not Available". The alanine amino acid residue is found in multiple mammalian species, which suggests that this missense change does not adversely affect protein function. In summary, the available evidence is currently insufficient to determine the role of this variant in disease. Therefore, it has been classified as a Variant of Uncertain Significance.